The following is an entry in ClinVar:

NM_001377.3(DYNC2H1):c.3890A>G (p.Asp1297Gly)

Gene: DYNC2H1 (dynein cytoplasmic 2 heavy chain 1; plus strand). Cytogenetic location: 11q22.3.
Variant type: single nucleotide variant.
Coding change: c.3890A>G on transcript NM_001377.3 (MANE Select); coding-DNA position 3890, A replaced by G.
Protein change: p.Asp1297Gly; replaces aspartic acid 1297 with glycine.
Molecular consequence: missense variant.
Genome position (GRCh38, 1-based): chr11:103,156,533, A>G. VCF-style: chr11-103156533-A-G. GRCh37 (hg19) VCF-style: chr11-103027262-A-G.
Other names: c.3890A>G, p.Asp1297Gly (NM_001080463.2); short protein forms D1297G.
Identifiers: ClinVar variation 2098092 (VCV002098092.4), dbSNP rs1860831360, ClinGen allele CA382274950.

ClinVar aggregate classification (germline): Uncertain significance (1 of 4 stars; one submission).

Conditions:
Jeune thoracic dystrophy. Also called: Jeune syndrome; Infantile thoracic dystrophy; Thoracic pelvic phalangeal dystrophy; Jeune's syndrome; Chondroectodermal dysplasia-like syndrome; Short-rib thoracic dysplasia. Identifiers: Orphanet 474, MedGen C0265275, MONDO:0018770.

Allele frequency attached by ClinVar (database versions not stated): TOPMed below 0.00001.

Submission:

Labcorp Genetics (formerly Invitae), Labcorp
Classification: Uncertain significance for Jeune thoracic dystrophy. Last evaluated: 2022-02-17. Review status: criteria provided, single submitter. Criteria: Invitae Variant Classification Sherloc (09022015). Collection method: clinical testing. Allele origin: germline.
Comment: This variant is not present in population databases (gnomAD no frequency). This sequence change replaces aspartic acid, which is acidic and polar, with glycine, which is neutral and non-polar, at codon 1297 of the DYNC2H1 protein (p.Asp1297Gly). This variant has not been reported in the literature in individuals affected with DYNC2H1-related conditions. In summary, the available evidence is currently insufficient to determine the role of this variant in disease. Therefore, it has been classified as a Variant of Uncertain Significance. Algorithms developed to predict the effect of sequence changes on RNA splicing suggest that this variant may disrupt the consensus splice site. Algorithms developed to predict the effect of missense changes on protein structure and function are either unavailable or do not agree on the potential impact of this missense change (SIFT: "Deleterious"; PolyPhen-2: "Probably Damaging"; Align-GVGD: "Class C15").